The following is an entry in ClinVar:

NM_001376.5(DYNC1H1):c.5603A>G (p.Tyr1868Cys)

Gene: DYNC1H1 (dynein cytoplasmic 1 heavy chain 1; plus strand). Cytogenetic location: 14q32.31.
Variant type: single nucleotide variant.
Coding change: c.5603A>G on transcript NM_001376.5 (MANE Select); coding-DNA position 5603, A replaced by G.
Protein change: p.Tyr1868Cys; replaces tyrosine 1868 with cysteine.
Molecular consequence: missense variant.
Genome position (GRCh38, 1-based): chr14:102,006,057, A>G. VCF-style: chr14-102006057-A-G. GRCh37 (hg19) VCF-style: chr14-102472394-A-G.
Other names: short protein forms Y1868C.
Identifiers: ClinVar variation 3623819 (VCV003623819.3).

ClinVar aggregate classification (germline): Uncertain significance. Review status: criteria provided, multiple submitters, no conflicts (2 of 4 stars). 2 submissions from 2 submitters: Uncertain significance (2). Last evaluated 2024-11-05.

Conditions:
Charcot-Marie-Tooth disease axonal type 2O. Also called: CHARCOT-MARIE-TOOTH NEUROPATHY, AXONAL, TYPE 2O; CHARCOT-MARIE-TOOTH DISEASE, AXONAL, AUTOSOMAL DOMINANT, TYPE 2O; Charcot-Marie-Tooth Neuropathy Type 2O; Charcot-Marie-Tooth disease, axonal, type 20. Identifiers: Orphanet 284232, MedGen C3280220, MONDO:0013644, OMIM 614228.

Submissions (2):

Labcorp Genetics (formerly Invitae), Labcorp
Classification: Uncertain significance for Charcot-Marie-Tooth disease axonal type 2O. Last evaluated: 2024-11-05. Review status: criteria provided, single submitter. Criteria: Invitae Variant Classification Sherloc (09022015). Collection method: clinical testing. Allele origin: germline.
Comment: This sequence change replaces tyrosine, which is neutral and polar, with cysteine, which is neutral and slightly polar, at codon 1868 of the DYNC1H1 protein (p.Tyr1868Cys). This variant is not present in population databases (gnomAD no frequency). This variant has not been reported in the literature in individuals affected with DYNC1H1-related conditions. Invitae Evidence Modeling of protein sequence and biophysical properties (such as structural, functional, and spatial information, amino acid conservation, physicochemical variation, residue mobility, and thermodynamic stability) indicates that this missense variant is expected to disrupt DYNC1H1 protein function with a positive predictive value of 95%. In summary, the available evidence is currently insufficient to determine the role of this variant in disease. Therefore, it has been classified as a Variant of Uncertain Significance.

GeneDx
Classification: Uncertain significance. Last evaluated: 2024-09-16. Review status: criteria provided, single submitter. Criteria: GeneDx Variant Classification Process June 2021. Collection method: clinical testing. Allele origin: germline. Affected: yes.
Comment: Not observed at significant frequency in large population cohorts (gnomAD); In silico analysis supports that this missense variant has a deleterious effect on protein structure/function; Has not been previously published as pathogenic or benign to our knowledge